The following is an entry in ClinVar:

NM_000275.3(OCA2):c.1364+5G>A

Gene: OCA2 (OCA2 melanosomal transmembrane protein; minus strand). Cytogenetic location: 15q13.1.
Variant type: single nucleotide variant.
Coding change: c.1364+5G>A on transcript NM_000275.3 (MANE Select); 5 bases into the intron after coding-DNA position 1364, G replaced by A.
Molecular consequence: intron variant.
Genome position (GRCh38, 1-based): chr15:27,985,059, C>T on the plus strand (G>A on the coding strand, the complement: OCA2 is on the minus strand). VCF-style: chr15-27985059-C-T. GRCh37 (hg19) VCF-style: chr15-28230205-C-T.
Other names: c.1292+5G>A (NM_001300984.2).
Identifiers: ClinVar variation 1516106 (VCV001516106.5), dbSNP rs751956177, ClinGen allele CA7439067.

ClinVar aggregate classification (germline): Conflicting classifications of pathogenicity. Review status: criteria provided, conflicting classifications (1 of 4 stars). 2 submissions from 2 submitters: Uncertain significance (1); Likely benign (1). Last evaluated 2025-02-16.

Allele frequency attached by ClinVar (database versions not stated): TOPMed below 0.00001; gnomAD 0.00001; ExAC 0.00002; gnomAD exomes 0.00002.
gnomAD v4.1: 9 of 1,613,656 alleles (0.00056%); highest among the groups gnomAD compares: Admixed American, 0.0067%; no homozygotes.

Submissions (2):

Laboratory of Genetics, Children's Clinical University Hospital Latvia
Classification: Likely benign. Last evaluated: 2025-02-16. Review status: criteria provided, single submitter. Criteria: ACMG Guidelines, 2015. Collection method: clinical testing. Allele origin: germline. Affected: yes.

Labcorp Genetics (formerly Invitae), Labcorp
Classification: Uncertain significance. Last evaluated: 2024-02-14. Review status: criteria provided, single submitter. Criteria: Invitae Variant Classification Sherloc (09022015). Collection method: clinical testing. Allele origin: germline.
Comment: This sequence change falls in intron 13 of the OCA2 gene. It does not directly change the encoded amino acid sequence of the OCA2 protein. It affects a nucleotide within the consensus splice site. The frequency data for this variant in the population databases is considered unreliable, as metrics indicate poor data quality at this position in the gnomAD database. This variant has not been reported in the literature in individuals affected with OCA2-related conditions. ClinVar contains an entry for this variant (Variation ID: 1516106). Variants that disrupt the consensus splice site are a relatively common cause of aberrant splicing (PMID: 17576681, 9536098). Algorithms developed to predict the effect of sequence changes on RNA splicing suggest that this variant is not likely to affect RNA splicing. In summary, the available evidence is currently insufficient to determine the role of this variant in disease. Therefore, it has been classified as a Variant of Uncertain Significance.

Literature cited by the submitters: PubMed 17576681 (cited by Labcorp Genetics (formerly Invitae), Labcorp); PubMed 9536098 (cited by Labcorp Genetics (formerly Invitae), Labcorp).